The following is an entry in ClinVar:

NM_006361.6(HOXB13):c.728A>G (p.Lys243Arg)

Gene: HOXB13 (homeobox B13; minus strand). Cytogenetic location: 17q21.32.
Variant type: single nucleotide variant.
Coding change: c.728A>G on transcript NM_006361.6 (MANE Select); coding-DNA position 728, A replaced by G.
Protein change: p.Lys243Arg; replaces lysine 243 with arginine.
Molecular consequence: missense variant.
Genome position (GRCh38, 1-based): chr17:48,726,917, T>C on the plus strand (A>G on the coding strand, the complement: HOXB13 is on the minus strand). VCF-style: chr17-48726917-T-C. GRCh37 (hg19) VCF-style: chr17-46804279-T-C.
Other names: short protein forms K243R.
Identifiers: ClinVar variation 483524 (VCV000483524.15), dbSNP rs1201100375, ClinGen allele CA400106248.

ClinVar aggregate classification (germline): Uncertain significance. Review status: criteria provided, multiple submitters, no conflicts (2 of 4 stars). 3 submissions from 3 submitters: Uncertain significance (3). Last evaluated 2026-01-11.

Conditions:
Hereditary cancer-predisposing syndrome. Also called: Neoplastic Syndromes, Hereditary; Tumor predisposition; Hereditary Cancer Syndrome; Hereditary neoplastic syndrome. Identifiers: Orphanet 140162, MedGen C0027672, MeSH D009386, MONDO:0015356.

Allele frequency attached by ClinVar (database versions not stated): gnomAD exomes 0.00001.
gnomAD v4.1: 8 of 1,614,024 alleles (0.0005%); highest among the groups gnomAD compares: South Asian, 0.0022%; no homozygotes.

Submissions (3):

Labcorp Genetics (formerly Invitae), Labcorp
Classification: Uncertain significance. Last evaluated: 2026-01-11. Review status: criteria provided, single submitter. Criteria: Invitae Variant Classification Sherloc (09022015). Collection method: clinical testing. Allele origin: germline.
Comment: This sequence change replaces lysine, which is basic and polar, with arginine, which is basic and polar, at codon 243 of the HOXB13 protein (p.Lys243Arg). This variant is present in population databases (no rsID available, gnomAD 0.003%). This variant has not been reported in the literature in individuals affected with HOXB13-related conditions. ClinVar contains an entry for this variant (Variation ID: 483524). Invitae Evidence Modeling of protein sequence and biophysical properties (such as structural, functional, and spatial information, amino acid conservation, physicochemical variation, residue mobility, and thermodynamic stability) indicates that this missense variant is not expected to disrupt HOXB13 protein function with a negative predictive value of 80%. In summary, the available evidence is currently insufficient to determine the role of this variant in disease. Therefore, it has been classified as a Variant of Uncertain Significance.

Ambry Genetics
Classification: Uncertain significance for Hereditary cancer-predisposing syndrome. Last evaluated: 2025-05-19. Review status: criteria provided, single submitter. Criteria: Ambry Variant Classification Scheme 2023. Collection method: clinical testing. Allele origin: germline.
Comment: The p.K243R variant (also known as c.728A>G), located in coding exon 2 of the HOXB13 gene, results from an A to G substitution at nucleotide position 728. The lysine at codon 243 is replaced by arginine, an amino acid with highly similar properties. This variant was identified in a cohort of Iranian prostate cancer patients (Roudi R et al. Med J Islam Repub Iran, 2018 Oct;32:97). This amino acid position is highly conserved in available vertebrate species. In addition, the in silico prediction for this alteration is inconclusive. Based on the available evidence, the clinical significance of this variant remains unclear.

GeneDx
Classification: Uncertain significance. Last evaluated: 2023-12-11. Review status: criteria provided, single submitter. Criteria: GeneDx Variant Classification Process June 2021. Collection method: clinical testing. Allele origin: germline. Affected: yes.
Comment: Not observed at significant frequency in large population cohorts (gnomAD); In silico analysis supports that this missense variant does not alter protein structure/function; Observed in individuals with prostate cancer (PMID: 31024864); This variant is associated with the following publications: (PMID: 31024864)

Literature cited by the submitters: PubMed 31024864 (cited by Ambry Genetics).